The following is an entry in ClinVar:

ClinVar aggregate classification (germline): Uncertain significance (1 of 4 stars; one submission).

Submission:

Labcorp Genetics (formerly Invitae), Labcorp
Classification: Uncertain significance. Last evaluated: 2025-05-06. Review status: criteria provided, single submitter. Criteria: Invitae Variant Classification Sherloc (09022015). Collection method: clinical testing. Allele origin: germline.
Comment: This sequence change replaces phenylalanine, which is neutral and non-polar, with serine, which is neutral and polar, at codon 414 of the CRAT protein (p.Phe414Ser). This variant is not present in population databases (gnomAD no frequency). This variant has not been reported in the literature in individuals affected with CRAT-related conditions. Invitae Evidence Modeling of protein sequence and biophysical properties (such as structural, functional, and spatial information, amino acid conservation, physicochemical variation, residue mobility, and thermodynamic stability) indicates that this missense variant is expected to disrupt CRAT protein function with a positive predictive value of 80%. In summary, the available evidence is currently insufficient to determine the role of this variant in disease. Therefore, it has been classified as a Variant of Uncertain Significance.

NM_000755.5(CRAT):c.1241T>C (p.Phe414Ser)

Gene: CRAT (carnitine O-acetyltransferase; minus strand). Cytogenetic location: 9q34.11.
Variant type: single nucleotide variant.
Coding change: c.1241T>C on transcript NM_000755.5 (MANE Select); coding-DNA position 1241, T replaced by C.
Protein change: p.Phe414Ser; replaces phenylalanine 414 with serine.
Molecular consequence: missense variant.
Genome position (GRCh38, 1-based): chr9:129,098,336, A>G on the plus strand (T>C on the coding strand, the complement: CRAT is on the minus strand). VCF-style: chr9-129098336-A-G. GRCh37 (hg19) VCF-style: chr9-131860615-A-G.
Other names: c.1178T>C, p.Phe393Ser (NM_001257363.3, NM_001346548.2, NM_004003.4); c.1244T>C, p.Phe415Ser (NM_001346546.2); c.1241T>C, p.Phe414Ser (NM_001346547.2); c.1121T>C, p.Phe374Ser (NM_001346549.2); short protein forms F374S, F415S, F414S, F393S.
Identifiers: ClinVar variation 4742075 (VCV004742075.1).